The following is an entry in ClinVar:

ClinVar aggregate classification (germline): Uncertain significance (1 of 4 stars; one submission).

Conditions:
Charcot-Marie-Tooth disease dominant intermediate B (CMTDIB). Also called: Charcot-Marie-Tooth disease dominant intermediate 1; CMT DI1; Charcot-Marie-Tooth disease dominant intermediate I; CHARCOT-MARIE-TOOTH NEUROPATHY, DOMINANT INTERMEDIATE B. Identifiers: Orphanet 100044, Orphanet 228179, MedGen C1847902, MONDO:0011674, OMIM 606482.

Submission:

Labcorp Genetics (formerly Invitae), Labcorp
Classification: Uncertain significance for Charcot-Marie-Tooth disease dominant intermediate B. Last evaluated: 2022-08-01. Review status: criteria provided, single submitter. Criteria: Invitae Variant Classification Sherloc (09022015). Collection method: clinical testing. Allele origin: germline.
Comment: Algorithms developed to predict the effect of missense changes on protein structure and function are either unavailable or do not agree on the potential impact of this missense change (SIFT: "Deleterious"; PolyPhen-2: "Possibly Damaging"; Align-GVGD: "Class C0"). In summary, the available evidence is currently insufficient to determine the role of this variant in disease. Therefore, it has been classified as a Variant of Uncertain Significance. This variant has not been reported in the literature in individuals affected with DNM2-related conditions. This sequence change replaces valine, which is neutral and non-polar, with glycine, which is neutral and non-polar, at codon 108 of the DNM2 protein (p.Val108Gly). This variant is not present in population databases (gnomAD no frequency).

NM_001005361.3(DNM2):c.323T>G (p.Val108Gly)

Gene: DNM2 (dynamin 2; plus strand). Cytogenetic location: 19p13.2.
Variant type: single nucleotide variant.
Coding change: c.323T>G on transcript NM_001005361.3 (MANE Select); coding-DNA position 323, T replaced by G.
Protein change: p.Val108Gly; replaces valine 108 with glycine.
Molecular consequence: missense variant.
Genome position (GRCh38, 1-based): chr19:10,772,566, T>G. VCF-style: chr19-10772566-T-G. GRCh37 (hg19) VCF-style: chr19-10883242-T-G.
Other names: c.323T>G, p.Val108Gly (NM_001005360.3, NM_001005362.3, NM_001190716.2 and 1 more transcripts); short protein forms V108G.
Identifiers: ClinVar variation 2055395 (VCV002055395.4), dbSNP rs2513139888, ClinGen allele CA404041848.